The following is an entry in ClinVar:

NM_003482.4(KMT2D):c.14826dup (p.Glu4943Ter)

Gene: KMT2D (lysine methyltransferase 2D; minus strand). Cytogenetic location: 12q13.12.
Variant type: Duplication.
Coding change: c.14826dup on transcript NM_003482.4 (MANE Select); coding-DNA position 14826, one base duplicated (T; older notation c.14826dupT).
Protein change: p.Glu4943Ter; replaces glutamic acid 4943 with a stop codon.
Molecular consequence: nonsense.
Genome position (GRCh38, 1-based): chr12:49,027,140, A duplicated on the plus strand (T on the coding strand, the reverse complement: KMT2D is on the minus strand). VCF-style (leftmost placement, unchanged base first): chr12-49027139-C-CA. GRCh37 (hg19) VCF-style: chr12-49420922-C-CA.
Other names: c.14826dupT (NM_003482.4); short protein forms E4943*.
Identifiers: ClinVar variation 1012175 (VCV001012175.3), dbSNP rs1942639701, ClinGen allele CA2034943708.

ClinVar aggregate classification (germline): Pathogenic (1 of 4 stars; one submission).

Conditions:
Kabuki syndrome 1 (KABUK1). Also called: KMT2D-Related Kabuki Syndrome. Identifiers: Orphanet 2322, MedGen CN030661, MONDO:0007843, OMIM 147920.

Submission:

Institute of Human Genetics, University of Goettingen
Classification: Pathogenic for Kabuki syndrome 1. Last evaluated: 2021-03-05. Review status: criteria provided, single submitter. Criteria: ACMG Guidelines, 2015. Collection method: clinical testing. Allele origin: germline. Inheritance: Autosomal dominant inheritance. Affected: yes.
Comment: This variant was classified as pathogenic according to the ACMG guidelines PVS1, PM2, PP3. It is absent from control studies and results in a truncated protein for which loss-of-function/haploinsufficiency was described to be pathogenic.